The following is an entry in ClinVar:

NM_001371246.1(SCN2A):c.687T>C (p.Ser229=)

Gene: SCN2A (sodium voltage-gated channel alpha subunit 2; plus strand). Cytogenetic location: 2q24.3.
Variant type: single nucleotide variant.
Coding change: c.687T>C on transcript NM_001371246.1 (MANE Plus Clinical); coding-DNA position 687, T replaced by C.
Protein change: p.Ser229=; no amino-acid change (serine 229 retained).
Molecular consequence: synonymous variant. On other transcripts: intron variant (3).
Genome position (GRCh38, 1-based): chr2:165,309,246, T>C. VCF-style: chr2-165309246-T-C. GRCh37 (hg19) VCF-style: chr2-166165756-T-C.
Other names: c.687T>C, p.Ser229= (NM_001040143.2); c.606-106T>C (NM_001040142.2, NM_001371247.1, NM_021007.3).
Identifiers: ClinVar variation 626163 (VCV000626163.5), dbSNP rs746904068, ClinGen allele CA1939657.

ClinVar aggregate classification (germline): Conflicting classifications of pathogenicity. Review status: criteria provided, conflicting classifications (1 of 4 stars). 3 submissions from 2 submitters: Uncertain significance (2); Likely benign (1). Last evaluated 2021-06-14.

Conditions:
Developmental and epileptic encephalopathy, 11 (DEE11). Also called: Early infantile epileptic encephalopathy 11. Identifiers: Orphanet 1934, MedGen C3150987, MONDO:0013388, OMIM 613721.
Seizures, benign familial infantile, 3 (BFIS3). Also called: Familial neonatal seizures; CONVULSIONS, BENIGN FAMILIAL INFANTILE, 3. Identifiers: Orphanet 140927, Orphanet 306, MedGen C1843140, MONDO:0011904, OMIM 607745.
Episodic ataxia, type 9. Identifiers: MedGen C5394520, MONDO:0030064, OMIM 618924.

Allele frequency attached by ClinVar (database versions not stated): gnomAD exomes 0.00001 and 0.00002; ExAC 0.00002.
gnomAD v4.1: 5 of 1,613,622 alleles (0.00031%); highest among the groups gnomAD compares: Admixed American, 0.0067%; no homozygotes.

Submissions (3):

GeneDx
Classification: Likely benign. Last evaluated: 2021-06-14. Review status: criteria provided, single submitter. Criteria: GeneDx Variant Classification Process June 2021. Collection method: clinical testing. Allele origin: germline. Affected: yes.

Center for Genomics, Ann and Robert H. Lurie Children's Hospital of Chicago
Classification: Uncertain significance for Developmental and epileptic encephalopathy, 11; Seizures, benign familial infantile, 3. Last evaluated: 2018-09-19. Review status: criteria provided, single submitter. Criteria: ACMG Guidelines, 2015. Collection method: clinical testing. Allele origin: germline.
Comment: SCN2A NM_001040143.1 exon 5 p.Ser229= (c.687T>C): This variant has not been reported in the literature but is present in 4/33468 Latino alleles in the Genome Aggregation Database. Evolutionary conservation and computational predictive tools for this variant are limited or unavailable. Of note, this variant is a silent variant and does not change the amino acid, reducing the probability that this variant is disease causing. In summary, data on this variant is insufficient for disease classification. Therefore, the clinical significance of this variant is uncertain.

Center for Genomics, Ann and Robert H. Lurie Children's Hospital of Chicago
Classification: Uncertain significance for Seizures, benign familial infantile, 3; Developmental and epileptic encephalopathy, 11; Episodic ataxia, type 9. Review status: criteria provided, single submitter. Criteria: ACMG Guidelines, 2015. Collection method: clinical testing. Allele origin: germline.
Comment: the same text as in the submission from Center for Genomics, Ann and Robert H. Lurie Children's Hospital of Chicago above.